The following is an entry in ClinVar:

ClinVar aggregate classification (germline): Conflicting classifications of pathogenicity. Review status: criteria provided, conflicting classifications (1 of 4 stars). 3 submissions from 3 submitters: Uncertain significance (1); Likely benign (1). 1 of the submissions does not count toward it. Last evaluated 2023-12-22.

Conditions:
SNRNP200-related disorder. Also called: SNRNP200-related condition.

Allele frequency attached by ClinVar (database versions not stated): gnomAD exomes 0.00001 and 0.00002; ExAC 0.00002.
gnomAD v4.1: 16 of 1,614,080 alleles (0.00099%); highest among the groups gnomAD compares: South Asian, 0.0088%; no homozygotes.

Submissions (3):

Labcorp Genetics (formerly Invitae), Labcorp
Classification: Likely benign. Last evaluated: 2023-12-22. Review status: criteria provided, single submitter. Criteria: Invitae Variant Classification Sherloc (09022015). Collection method: clinical testing. Allele origin: germline.

Blueprint Genetics
Classification: Uncertain significance. Last evaluated: 2021-05-07. Review status: criteria provided, single submitter. Criteria: ACMG Guidelines, 2015. Collection method: clinical testing. Allele origin: germline.

PreventionGenetics, part of Exact Sciences
Classification: Likely benign for SNRNP200-related condition. Last evaluated: 2020-11-18. Review status: no assertion criteria provided. Collection method: clinical testing. Allele origin: germline. Not counted in ClinVar's aggregate classification.
Comment: This variant is classified as likely benign based on ACMG/AMP sequence variant interpretation guidelines (Richards et al. 2015 PMID: 25741868, with internal and published modifications).

NM_014014.5(SNRNP200):c.210-10T>C

Gene: SNRNP200 (small nuclear ribonucleoprotein U5 subunit 200; minus strand). Cytogenetic location: 2q11.2.
Variant type: single nucleotide variant.
Coding change: c.210-10T>C on transcript NM_014014.5 (MANE Select); 10 bases into the intron before coding-DNA position 210, T replaced by C.
Molecular consequence: intron variant.
Genome position (GRCh38, 1-based): chr2:96,303,340, A>G on the plus strand (T>C on the coding strand, the complement: SNRNP200 is on the minus strand). VCF-style: chr2-96303340-A-G. GRCh37 (hg19) VCF-style: chr2-96969078-A-G.
Other names: c.210-10T>C (NM_014014.4).
Identifiers: ClinVar variation 1525712 (VCV001525712.11), dbSNP rs769774837, ClinGen allele CA1779228.